The following is an entry in ClinVar:

ClinVar aggregate classification (germline): Uncertain significance. Review status: criteria provided, multiple submitters, no conflicts (2 of 4 stars). 4 submissions from 4 submitters: Uncertain significance (4). Last evaluated 2025-08-01.

Conditions:
Hereditary cancer-predisposing syndrome. Also called: Hereditary Cancer Syndrome; Neoplastic Syndromes, Hereditary; Tumor predisposition; Hereditary neoplastic syndrome. Identifiers: Orphanet 140162, MedGen C0027672, MeSH D009386, MONDO:0015356.

gnomAD v4.1: 1 of 1,605,968 alleles (0.000062%); highest among the groups gnomAD compares: Non-Finnish European, 0.000085%; no homozygotes.

Submissions (4):

Ambry Genetics
Classification: Uncertain significance for Hereditary cancer-predisposing syndrome. Last evaluated: 2025-08-01. Review status: criteria provided, single submitter. Criteria: Ambry Variant Classification Scheme 2023. Collection method: clinical testing. Allele origin: germline.
Comment: The p.V386L variant (also known as c.1156G>C), located in coding exon 8 of the CTNNA1 gene, results from a G to C substitution at nucleotide position 1156. The valine at codon 386 is replaced by leucine, an amino acid with highly similar properties. This amino acid position is highly conserved in available vertebrate species. In addition, the in silico prediction for this alteration is inconclusive. Since supporting evidence is limited at this time, the clinical significance of this alteration remains unclear.

Labcorp Genetics (formerly Invitae), Labcorp
Classification: Uncertain significance. Last evaluated: 2024-05-19. Review status: criteria provided, single submitter. Criteria: Invitae Variant Classification Sherloc (09022015). Collection method: clinical testing. Allele origin: germline.
Comment: This sequence change replaces valine, which is neutral and non-polar, with leucine, which is neutral and non-polar, at codon 386 of the CTNNA1 protein (p.Val386Leu). This variant is not present in population databases (gnomAD no frequency). This variant has not been reported in the literature in individuals affected with CTNNA1-related conditions. ClinVar contains an entry for this variant (Variation ID: 1370738). Advanced modeling of protein sequence and biophysical properties (such as structural, functional, and spatial information, amino acid conservation, physicochemical variation, residue mobility, and thermodynamic stability) performed at Invitae indicates that this missense variant is not expected to disrupt CTNNA1 protein function with a negative predictive value of 80%. In summary, the available evidence is currently insufficient to determine the role of this variant in disease. Therefore, it has been classified as a Variant of Uncertain Significance.

GeneDx
Classification: Uncertain significance. Last evaluated: 2023-01-05. Review status: criteria provided, single submitter. Criteria: GeneDx Variant Classification Process June 2021. Collection method: clinical testing. Allele origin: germline. Affected: yes.
Comment: Not observed at significant frequency in large population cohorts (gnomAD); In silico analysis supports that this missense variant has a deleterious effect on protein structure/function; Has not been previously published as pathogenic or benign to our knowledge

Blueprint Genetics
Classification: Uncertain significance. Last evaluated: 2022-11-11. Review status: criteria provided, single submitter. Criteria: ACMG Guidelines, 2015. Collection method: clinical testing. Allele origin: germline.

NM_001903.5(CTNNA1):c.1156G>C (p.Val386Leu)

Gene: CTNNA1 (catenin alpha 1; plus strand). Cytogenetic location: 5q31.2.
Variant type: single nucleotide variant.
Coding change: c.1156G>C on transcript NM_001903.5 (MANE Select); coding-DNA position 1156, G replaced by C.
Protein change: p.Val386Leu; replaces valine 386 with leucine.
Molecular consequence: missense variant. On other transcripts: 5 prime UTR variant (5), intron variant (2).
Genome position (GRCh38, 1-based): chr5:138,887,502, G>C. VCF-style: chr5-138887502-G-C. GRCh37 (hg19) VCF-style: chr5-138223191-G-C.
Other names: c.1156G>C (NM_001903.3); c.1156G>C, p.Val386Leu (NM_001290307.3, NM_001323982.2, NM_001323983.1 and 3 more transcripts); c.847G>C, p.Val283Leu (NM_001290309.3); c.787G>C, p.Val263Leu (NM_001290310.3); c.46G>C, p.Val16Leu (NM_001290312.1, NM_001323987.1, NM_001323988.1 and 18 more transcripts); c.-352G>C (NM_001324006.1, NM_001324007.1, NM_001324008.1 and 1 more transcripts); c.-227G>C (NM_001324013.1); c.-58+11905G>C (NM_001324012.1); and 1 more; short protein forms V386L, V283L, V16L, V263L.
Identifiers: ClinVar variation 1370738 (VCV001370738.11), dbSNP rs2150032090, ClinGen allele CA361132938.